The following is an entry in ClinVar:

NM_014055.4(IFT81):c.155A>G (p.Asp52Gly)

Gene: IFT81 (intraflagellar transport 81; plus strand). Cytogenetic location: 12q24.11.
Variant type: single nucleotide variant.
Coding change: c.155A>G on transcript NM_014055.4 (MANE Select); coding-DNA position 155, A replaced by G.
Protein change: p.Asp52Gly; replaces aspartic acid 52 with glycine.
Molecular consequence: missense variant. On other transcripts: 5 prime UTR variant (2), non-coding transcript variant (4).
Genome position (GRCh38, 1-based): chr12:110,128,056, A>G. VCF-style: chr12-110128056-A-G. GRCh37 (hg19) VCF-style: chr12-110565861-A-G.
Other names: c.155A>G, p.Asp52Gly (NM_001143779.2, NM_001347946.2, NM_031473.4); c.-612A>G (NM_001347947.2, NM_001347948.2); short protein forms D52G.
Identifiers: ClinVar variation 1358614 (VCV001358614.4), dbSNP rs367874548, ClinGen allele CA6783010.

ClinVar aggregate classification (germline): Uncertain significance. Review status: criteria provided, multiple submitters, no conflicts (2 of 4 stars). 2 submissions from 2 submitters: Uncertain significance (2). Last evaluated 2022-12-12.

Allele frequency attached by ClinVar (database versions not stated): ExAC 0.00002; gnomAD 0.00004 and 0.00005; gnomAD exomes 0.00004 and 0.00011; TOPMed 0.00008; ESP Exome Variant Server 0.00015.
gnomAD v4.1: 174 of 1,609,936 alleles (0.011%); highest among the groups gnomAD compares: Non-Finnish European, 0.014%; no homozygotes.

Submissions (2):

Blueprint Genetics
Classification: Uncertain significance. Last evaluated: 2022-12-12. Review status: criteria provided, single submitter. Criteria: ACMG Guidelines, 2015. Collection method: clinical testing. Allele origin: germline.

Labcorp Genetics (formerly Invitae), Labcorp
Classification: Uncertain significance. Last evaluated: 2021-09-18. Review status: criteria provided, single submitter. Criteria: Invitae Variant Classification Sherloc (09022015). Collection method: clinical testing. Allele origin: germline.
Comment: This sequence change replaces aspartic acid with glycine at codon 52 of the IFT81 protein (p.Asp52Gly). The aspartic acid residue is highly conserved and there is a moderate physicochemical difference between aspartic acid and glycine. This variant is present in population databases (rs367874548, ExAC 0.004%). This variant has not been reported in the literature in individuals affected with IFT81-related conditions. Algorithms developed to predict the effect of missense changes on protein structure and function (SIFT, PolyPhen-2, Align-GVGD) all suggest that this variant is likely to be disruptive. Algorithms developed to predict the effect of sequence changes on RNA splicing suggest that this variant may create or strengthen a splice site. In summary, the available evidence is currently insufficient to determine the role of this variant in disease. Therefore, it has been classified as a Variant of Uncertain Significance.